The following is an entry in ClinVar:

NM_080425.4(GNAS):c.350C>T (p.Thr117Ile)

Gene: GNAS (GNAS complex locus; plus strand). Cytogenetic location: 20q13.32.
Variant type: single nucleotide variant.
Coding change: c.350C>T on transcript NM_080425.4 (MANE Plus Clinical); coding-DNA position 350, C replaced by T.
Protein change: p.Thr117Ile; replaces threonine 117 with isoleucine.
Molecular consequence: missense variant. On other transcripts: intron variant (3).
Genome position (GRCh38, 1-based): chr20:58,853,615, C>T. VCF-style: chr20-58853615-C-T. GRCh37 (hg19) VCF-style: chr20-57428670-C-T.
Other names: c.163C>T, p.His55Tyr (NM_001077490.3, NM_001309883.1); c.350C>T, p.Thr117Ile (NM_001410913.1); c.*42+12729C>T (NM_016592.5); c.43+12729C>T (NM_001410912.1); c.-39+11740C>T (NM_001309861.2); short protein forms H55Y, T117I.
Identifiers: ClinVar variation 4981435 (VCV004981435.1).

ClinVar aggregate classification (germline): Uncertain significance (1 of 4 stars; one submission).

Conditions:
GNAS-related disorder. Identifiers: MedGen CN380105.

gnomAD v4.1: 4 of 1,613,398 alleles (0.00025%); highest among the groups gnomAD compares: East Asian, 0.0022%; no homozygotes.

Submission:

PreventionGenetics, part of Exact Sciences
Classification: Uncertain significance for GNAS-related condition. Last evaluated: 2026-08-17. Review status: criteria provided, single submitter. Criteria: ACMG Guidelines, 2015. Collection method: clinical testing. Allele origin: germline.
Comment: The GNAS c.350C>T variant is predicted to result in the amino acid substitution p.Thr117Ile. In an alternative transcript, this variant is referred to as the 5' UTR variant c.-38112C>T (NM_000516). To our knowledge, this variant has not been reported in the literature. This variant is reported in 0.0065% of alleles in individuals of African descent in gnomAD. At this time, the clinical significance of this variant is uncertain due to the absence of conclusive functional and genetic evidence.